The following is an entry in ClinVar:

NM_001723.7(DST):c.3716G>A (p.Arg1239His)

Gene: DST (dystonin; minus strand). Cytogenetic location: 6p12.1.
Variant type: single nucleotide variant.
Coding change: c.3716G>A on transcript NM_001723.7 (MANE Plus Clinical); coding-DNA position 3716, G replaced by A.
Protein change: p.Arg1239His; replaces arginine 1239 with histidine.
Molecular consequence: missense variant. On other transcripts: intron variant (10).
Genome position (GRCh38, 1-based): chr6:56,620,318, C>T on the plus strand (G>A on the coding strand, the complement: DST is on the minus strand). VCF-style: chr6-56620318-C-T. GRCh37 (hg19) VCF-style: chr6-56485116-C-T.
Other names: c.4830+4212G>A (NM_001144769.5); c.4929+4212G>A (NM_001374722.1, NM_001374736.1); c.4956+4212G>A (NM_001374734.1); c.4416+4212G>A (NM_001144770.2); c.4296+4212G>A (NM_001374730.1, NM_001386100.1, NM_183380.4 and 1 more transcripts); c.3318+4212G>A (NM_015548.5); short protein forms R1239H.
Identifiers: ClinVar variation 954432 (VCV000954432.7), dbSNP rs147516378, ClinGen allele CA3870661.
Genomic context (GRCh38, chr6:56,620,318, plus strand): 5'-TTTCTTTTAAGATGATCTTCCAGTGTTCGTCTGGTAAAGGTGTTTTCCTCCAACTGATTG[C>T]GAAAATTCAGGAGGTTCTCTTCCACGGCAGCTCTTTTAGCCTCGGCCTCTATGGTGAGCT-3'
Protein context (NP_001714.1, residues 1229-1249): AAVEENLLNF[Arg1239His]NQLEENTFTR

ClinVar aggregate classification (germline): Uncertain significance (1 of 4 stars; one submission).

Conditions:
Hereditary sensory and autonomic neuropathy type 6. Also called: Neuropathy, hereditary sensory and autonomic, type VI; HSAN VI. Identifiers: Orphanet 314381, MedGen C3539003, MONDO:0013839, OMIM 614653.
Epidermolysis bullosa simplex 3, localized or generalized intermediate, with BP230 deficiency (EBS3). Also called: Epidermolysis bullosa simplex due to BP230 deficiency; Epidermolysis bullosa simplex, autosomal recessive 2. Identifiers: Orphanet 412181, MedGen C3809470, MONDO:0014180, OMIM 615425.

Allele frequency attached by ClinVar (database versions not stated): gnomAD 0.00001; TOPMed 0.00002; ExAC 0.00003; gnomAD exomes 0.00003; ESP Exome Variant Server 0.00008.
gnomAD v4.1: 21 of 1,613,964 alleles (0.0013%); highest among the groups gnomAD compares: African/African-American, 0.008%; no homozygotes.

Submission:

Labcorp Genetics (formerly Invitae), Labcorp
Classification: Uncertain significance for Epidermolysis bullosa simplex 3, localized or generalized intermediate, with BP230 deficiency; Hereditary sensory and autonomic neuropathy type 6. Last evaluated: 2024-10-16. Review status: criteria provided, single submitter. Criteria: Invitae Variant Classification Sherloc (09022015). Collection method: clinical testing. Allele origin: germline.
Comment: This sequence change replaces arginine, which is basic and polar, with histidine, which is basic and polar, at codon 1239 of the DST protein (p.Arg1239His). This variant is present in population databases (rs147516378, gnomAD 0.02%). This variant has not been reported in the literature in individuals affected with DST-related conditions. ClinVar contains an entry for this variant (Variation ID: 954432). An algorithm developed to predict the effect of missense changes on protein structure and function (PolyPhen-2) suggests that this variant is likely to be disruptive. In summary, the available evidence is currently insufficient to determine the role of this variant in disease. Therefore, it has been classified as a Variant of Uncertain Significance.